The following is an entry in ClinVar:

ClinVar aggregate classification (germline): Uncertain significance (1 of 4 stars; one submission).

Allele frequency attached by ClinVar (database versions not stated): gnomAD exomes below 0.00001.
gnomAD v4.1: 1 of 1,614,100 alleles (0.000062%); highest among the groups gnomAD compares: Non-Finnish European, 0.000085%; no homozygotes.

Submission:

GeneDx
Classification: Uncertain significance. Last evaluated: 2022-07-30. Review status: criteria provided, single submitter. Criteria: GeneDx Variant Classification Process June 2021. Collection method: clinical testing. Allele origin: germline. Affected: yes.
Comment: Not observed at significant frequency in large population cohorts (gnomAD); In silico analysis supports that this missense variant does not alter protein structure/function; Has not been previously published as pathogenic or benign to our knowledge

NM_012330.4(KAT6B):c.4505C>G (p.Ser1502Cys)

Gene: KAT6B (lysine acetyltransferase 6B; plus strand). Cytogenetic location: 10q22.2.
Variant type: single nucleotide variant.
Coding change: c.4505C>G on transcript NM_012330.4 (MANE Select); coding-DNA position 4505, C replaced by G.
Protein change: p.Ser1502Cys; replaces serine 1502 with cysteine.
Molecular consequence: missense variant.
Genome position (GRCh38, 1-based): chr10:75,029,329, C>G. VCF-style: chr10-75029329-C-G. GRCh37 (hg19) VCF-style: chr10-76789087-C-G.
Other names: c.3956C>G, p.Ser1319Cys (NM_001256468.2, NM_001370138.1); c.3629C>G, p.Ser1210Cys (NM_001256469.2, NM_001370139.1, NM_001370140.1 and 2 more transcripts); c.3467C>G, p.Ser1156Cys (NM_001370132.1); c.2816C>G, p.Ser939Cys (NM_001370133.1); c.2420C>G, p.Ser807Cys (NM_001370134.1); c.2162C>G, p.Ser721Cys (NM_001370135.1); c.4505C>G, p.Ser1502Cys (NM_001370136.1, NM_001370137.1); c.3440C>G, p.Ser1147Cys (NM_001370143.1, NM_001370144.1); short protein forms S1147C, S1156C, S1210C, S1319C, S1502C, S721C, S807C, S939C.
Identifiers: ClinVar variation 2413076 (VCV002413076.4), dbSNP rs2549203028, ClinGen allele CA377297428.